The following is an entry in ClinVar:

ClinVar aggregate classification (germline): Benign/Likely benign. Review status: criteria provided, multiple submitters, no conflicts (2 of 4 stars). 2 submissions from 2 submitters: Benign (1); Likely benign (1). Last evaluated 2026-06-04.

Conditions:
Gastrointestinal stromal tumor. Also called: Gastrointestinal stromal tumor, somatic; Gastrointestinal stroma tumor. Identifiers: Orphanet 44890, MedGen C0238198, MeSH D046152, MONDO:0011719, OMIM 606764, HP:0100723.

Allele frequency attached by ClinVar (database versions not stated): gnomAD 0.00001; gnomAD exomes 0.00001 and 0.00002; ExAC 0.00005.
gnomAD v4.1: 14 of 1,613,114 alleles (0.00087%); highest among the groups gnomAD compares: Non-Finnish European, 0.0012%; no homozygotes.

Submissions (2):

Myriad Genetics, Inc.
Classification: Benign for Gastrointestinal stromal tumor. Last evaluated: 2026-06-04. Review status: criteria provided, single submitter. Criteria: Myriad Autosomal Dominant, Autosomal Recessive and X-Linked Classification Criteria (2023). Collection method: clinical testing. Allele origin: unknown.
Comment: This variant is considered benign. This variant is intronic and is not expected to impact mRNA splicing. This variant has been observed at a population frequency that is significantly greater than expected given the associated disease prevalence and penetrance.

Labcorp Genetics (formerly Invitae), Labcorp
Classification: Likely benign for Gastrointestinal stromal tumor. Last evaluated: 2023-06-24. Review status: criteria provided, single submitter. Criteria: Invitae Variant Classification Sherloc (09022015). Collection method: clinical testing. Allele origin: germline.

NM_000222.3(KIT):c.1880-14G>C

Gene: KIT (KIT proto-oncogene, receptor tyrosine kinase; plus strand). Cytogenetic location: 4q12.
Variant type: single nucleotide variant.
Coding change: c.1880-14G>C on transcript NM_000222.3 (MANE Select); 14 bases into the intron before coding-DNA position 1880, G replaced by C.
Molecular consequence: intron variant.
Genome position (GRCh38, 1-based): chr4:54,727,997, G>C. VCF-style: chr4-54727997-G-C. GRCh37 (hg19) VCF-style: chr4-55594163-G-C.
Other names: c.1883-14G>C (NM_001385284.1, NM_001385290.1); c.1871-14G>C (NM_001385288.1, NM_001385292.1); c.1880-14G>C (NM_001385285.1); c.1868-14G>C (NM_001093772.2, NM_001385286.1).
Identifiers: ClinVar variation 1597190 (VCV001597190.9), dbSNP rs776847538, ClinGen allele CA2923604.